The following is an entry in ClinVar:

NM_198253.3(TERT):c.1020G>T (p.Gln340His)

Gene: TERT (telomerase reverse transcriptase; minus strand). Cytogenetic location: 5p15.33.
Variant type: single nucleotide variant.
Coding change: c.1020G>T on transcript NM_198253.3 (MANE Select); coding-DNA position 1020, G replaced by T.
Protein change: p.Gln340His; replaces glutamine 340 with histidine.
Molecular consequence: missense variant. On other transcripts: non-coding transcript variant (2).
Genome position (GRCh38, 1-based): chr5:1,293,866, C>A on the plus strand (G>T on the coding strand, the complement: TERT is on the minus strand). VCF-style: chr5-1293866-C-A. GRCh37 (hg19) VCF-style: chr5-1293981-C-A.
Other names: c.1020G>T, p.Gln340His (NM_001193376.3); short protein forms Q340H.
Identifiers: ClinVar variation 4182824 (VCV004182824.2).

ClinVar aggregate classification (germline): Uncertain significance. Review status: criteria provided, multiple submitters, no conflicts (2 of 4 stars). 2 submissions from 2 submitters: Uncertain significance (2). Last evaluated 2025-08-08.

Conditions:
Dyskeratosis congenita, autosomal dominant 2. Identifiers: MedGen C3151443, MONDO:0013521, OMIM 613989.
Idiopathic Pulmonary Fibrosis. Also called: Idiopathic fibrosing alveolitis, chronic form; idiopathic fibrosing alveolitis. Identifiers: Orphanet 2032, MedGen C1800706, MeSH D054990, MONDO:0800504.
Dyskeratosis congenita. Identifiers: Orphanet 1775, MedGen C0265965, MONDO:0015780.

gnomAD v4.1: 1 of 1,545,550 alleles (0.000065%); highest among the groups gnomAD compares: African/African-American, 0.0014%; no homozygotes.

Submissions (2):

Ambry Genetics
Classification: Uncertain significance for Dyskeratosis congenita. Last evaluated: 2025-08-08. Review status: criteria provided, single submitter. Criteria: Ambry Variant Classification Scheme 2023. Collection method: clinical testing. Allele origin: germline.

Labcorp Genetics (formerly Invitae), Labcorp
Classification: Uncertain significance for Dyskeratosis congenita, autosomal dominant 2; Idiopathic Pulmonary Fibrosis. Last evaluated: 2025-06-12. Review status: criteria provided, single submitter. Criteria: Invitae Variant Classification Sherloc (09022015). Collection method: clinical testing. Allele origin: germline.
Comment: This sequence change replaces glutamine, which is neutral and polar, with histidine, which is basic and polar, at codon 340 of the TERT protein (p.Gln340His). This variant is not present in population databases (gnomAD no frequency). This variant has not been reported in the literature in individuals affected with TERT-related conditions. Invitae Evidence Modeling of protein sequence and biophysical properties (such as structural, functional, and spatial information, amino acid conservation, physicochemical variation, residue mobility, and thermodynamic stability) has been performed for this missense variant. However, the output from this modeling did not meet the statistical confidence thresholds required to predict the impact of this variant on TERT protein function. In summary, the available evidence is currently insufficient to determine the role of this variant in disease. Therefore, it has been classified as a Variant of Uncertain Significance.